The following is an entry in ClinVar:

ClinVar aggregate classification (germline): Uncertain significance (1 of 4 stars; one submission).

Allele frequency attached by ClinVar (database versions not stated): ExAC 0.00001; gnomAD exomes 0.00001 and 0.00003; gnomAD 0.00002; TOPMed 0.00002.
gnomAD v4.1: 40 of 1,613,652 alleles (0.0025%); highest among the groups gnomAD compares: Non-Finnish European, 0.0033%; no homozygotes.

Submission:

Labcorp Genetics (formerly Invitae), Labcorp
Classification: Uncertain significance. Last evaluated: 2022-07-15. Review status: criteria provided, single submitter. Criteria: Invitae Variant Classification Sherloc (09022015). Collection method: clinical testing. Allele origin: germline.
Comment: This sequence change replaces glycine, which is neutral and non-polar, with cysteine, which is neutral and slightly polar, at codon 1774 of the SZT2 protein (p.Gly1774Cys). This variant is present in population databases (rs779360338, gnomAD 0.002%). This variant has not been reported in the literature in individuals affected with SZT2-related conditions. ClinVar contains an entry for this variant (Variation ID: 847273). Algorithms developed to predict the effect of missense changes on protein structure and function (SIFT, PolyPhen-2, Align-GVGD) all suggest that this variant is likely to be tolerated. In summary, the available evidence is currently insufficient to determine the role of this variant in disease. Therefore, it has been classified as a Variant of Uncertain Significance.

NM_001365999.1(SZT2):c.5491G>T (p.Gly1831Cys)

Gene: SZT2 (SZT2 subunit of KICSTOR complex; plus strand). Cytogenetic location: 1p34.2.
Variant type: single nucleotide variant.
Coding change: c.5491G>T on transcript NM_001365999.1 (MANE Select); coding-DNA position 5491, G replaced by T.
Protein change: p.Gly1831Cys; replaces glycine 1831 with cysteine.
Molecular consequence: missense variant.
Genome position (GRCh38, 1-based): chr1:43,432,565, G>T. VCF-style: chr1-43432565-G-T. GRCh37 (hg19) VCF-style: chr1-43898236-G-T.
Other names: c.5320G>T, p.Gly1774Cys (NM_015284.4); short protein forms G1831C, G1774C.
Identifiers: ClinVar variation 847273 (VCV000847273.7), dbSNP rs779360338, ClinGen allele CA809592.